The following is an entry in ClinVar:

ClinVar aggregate classification (germline): Uncertain significance (1 of 4 stars; one submission).

Allele frequency attached by ClinVar (database versions not stated): 1000 Genomes Project 30x 0.00078; 1000 Genomes Project 0.00080.

Submission:

Labcorp Genetics (formerly Invitae), Labcorp
Classification: Uncertain significance. Last evaluated: 2026-01-02. Review status: criteria provided, single submitter. Criteria: Invitae Variant Classification Sherloc (09022015). Collection method: clinical testing. Allele origin: germline.
Comment: This sequence change replaces proline, which is neutral and non-polar, with leucine, which is neutral and non-polar, at codon 430 of the KANK2 protein (p.Pro430Leu). This variant is present in population databases (rs372713779, gnomAD 0.05%). This variant has not been reported in the literature in individuals affected with KANK2-related conditions. ClinVar contains an entry for this variant (Variation ID: 2893731). An algorithm developed to predict the effect of missense changes on protein structure and function outputs the following: PolyPhen-2: "Benign". The leucine amino acid residue is found in multiple mammalian species, which suggests that this missense change does not adversely affect protein function. In summary, the available evidence is currently insufficient to determine the role of this variant in disease. Therefore, it has been classified as a Variant of Uncertain Significance.

NM_001136191.3(KANK2):c.1289C>T (p.Pro430Leu)

Gene: KANK2 (KN motif and ankyrin repeat domains 2; minus strand). Cytogenetic location: 19p13.2.
Variant type: single nucleotide variant.
Coding change: c.1289C>T on transcript NM_001136191.3 (MANE Select); coding-DNA position 1289, C replaced by T.
Protein change: p.Pro430Leu; replaces proline 430 with leucine.
Molecular consequence: missense variant.
Genome position (GRCh38, 1-based): chr19:11,178,681, G>A on the plus strand (C>T on the coding strand, the complement: KANK2 is on the minus strand). VCF-style: chr19-11178681-G-A. GRCh37 (hg19) VCF-style: chr19-11289357-G-A.
Other names: c.1289C>T, p.Pro430Leu (NM_001379552.1, NM_001379553.1, NM_001379554.1 and 15 more transcripts); short protein forms P430L.
Identifiers: ClinVar variation 2893731 (VCV002893731.3), dbSNP rs372713779, ClinGen allele CA9205732.
Genomic context (GRCh38, chr19:11,178,681, plus strand): 5'-TGGGTGGGCACTCGGCCTGTGCTCTTCTCAGGCTGTGTAAGGGAGGCTACCTCGGACCCC[G>A]GGGGTGACGAAGACGATTCGGCAGGAACTTCTGGGAGGCCTGGAGGGACAGGAAATGAGT-3'
Protein context (NP_001129663.1, residues 420-440): EVPAESSSSP[Pro430Leu]GSEVASLTQP